The following is an entry in ClinVar:

ClinVar aggregate classification (germline): Benign. Review status: criteria provided, multiple submitters, no conflicts (2 of 4 stars). 3 submissions from 3 submitters: Benign (2). 1 of the submissions does not count toward it. Last evaluated 2018-06-21.

Conditions:
DLGAP1-related disorder. Also called: DLGAP1-related condition.

Allele frequency attached by ClinVar (database versions not stated): gnomAD exomes 0.00106 and 0.00292; ExAC 0.00354; 1000 Genomes Project 0.00998; 1000 Genomes Project 30x 0.01077; gnomAD 0.01195 and 0.01275; TOPMed 0.01322; ESP Exome Variant Server 0.01499.
gnomAD v4.1: 3,423 of 1,613,884 alleles (0.21%); highest among the groups gnomAD compares: African/African-American, 4.1%; 57 homozygotes.

Submissions (3):

Labcorp Genetics (formerly Invitae), Labcorp
Classification: Benign. Last evaluated: 2018-06-21. Review status: criteria provided, single submitter. Criteria: Invitae Variant Classification Sherloc (09022015). Collection method: clinical testing. Allele origin: germline.

Breakthrough Genomics
Classification: Benign. Review status: criteria provided, single submitter. Criteria: ACMG Guidelines, 2015. Collection method: not provided. Allele origin: germline. Inheritance: Unknown mechanism. Affected: yes.

PreventionGenetics, part of Exact Sciences
Classification: Benign for DLGAP1-related condition. Last evaluated: 2019-02-19. Review status: no assertion criteria provided. Collection method: clinical testing. Allele origin: germline. Not counted in ClinVar's aggregate classification.
Comment: This variant is classified as benign based on ACMG/AMP sequence variant interpretation guidelines (Richards et al. 2015 PMID: 25741868, with internal and published modifications).

NM_004746.4(DLGAP1):c.1977T>C (p.Ala659=)

Gene: DLGAP1 (DLG associated protein 1; minus strand). Cytogenetic location: 18p11.31.
Variant type: single nucleotide variant.
Coding change: c.1977T>C on transcript NM_004746.4 (MANE Select); coding-DNA position 1977, T replaced by C.
Protein change: p.Ala659=; no amino-acid change (alanine 659 retained).
Molecular consequence: synonymous variant.
Genome position (GRCh38, 1-based): chr18:3,567,570, A>G on the plus strand (T>C on the coding strand, the complement: DLGAP1 is on the minus strand). VCF-style: chr18-3567570-A-G. GRCh37 (hg19) VCF-style: chr18-3567568-A-G.
Other names: c.1071T>C, p.Ala357= (NM_001003809.3, NM_001242765.2); c.1977T>C, p.Ala659= (NM_001242761.2); c.1029T>C, p.Ala343= (NM_001242762.2); c.1143T>C, p.Ala381= (NM_001242763.2); c.1095T>C, p.Ala365= (NM_001242764.2); c.1101T>C, p.Ala367= (NM_001242766.2); c.1125T>C, p.Ala375= (NM_001308390.2).
Identifiers: ClinVar variation 790190 (VCV000790190.6), dbSNP rs61732678, ClinGen allele CA8876226.